The following is an entry in ClinVar:

NM_004655.4(AXIN2):c.384A>G (p.Leu128=)

Gene: AXIN2 (axin 2; minus strand). Cytogenetic location: 17q24.1.
Variant type: single nucleotide variant.
Coding change: c.384A>G on transcript NM_004655.4 (MANE Select); coding-DNA position 384, A replaced by G.
Protein change: p.Leu128=; no amino-acid change (leucine 128 retained).
Molecular consequence: synonymous variant.
Genome position (GRCh38, 1-based): chr17:65,558,237, T>C on the plus strand (A>G on the coding strand, the complement: AXIN2 is on the minus strand). VCF-style: chr17-65558237-T-C. GRCh37 (hg19) VCF-style: chr17-63554355-T-C.
Other names: c.384A>G (LRG_296t1); c.384A>G, p.Leu128= (NM_001363813.1).
Identifiers: ClinVar variation 533270 (VCV000533270.15), dbSNP rs200699935, ClinGen allele CA293107214.

ClinVar aggregate classification (germline): Benign/Likely benign. Review status: criteria provided, multiple submitters, no conflicts (2 of 4 stars). 4 submissions from 4 submitters: Benign (1); Likely benign (3). Last evaluated 2026-01-19.

Conditions:
Hereditary cancer-predisposing syndrome. Also called: Hereditary neoplastic syndrome; Neoplastic Syndromes, Hereditary; Tumor predisposition; Hereditary Cancer Syndrome. Identifiers: Orphanet 140162, MedGen C0027672, MeSH D009386, MONDO:0015356.
Oligodontia-cancer predisposition syndrome. Also called: TOOTH AGENESIS-COLORECTAL CANCER SYNDROME. Identifiers: Orphanet 300576, MedGen C1837750, MONDO:0012075, OMIM 608615. Disease mechanism: loss of function.

Allele frequency attached by ClinVar (database versions not stated): gnomAD exomes below 0.00001; TOPMed below 0.00001.
gnomAD v4.1: 7 of 1,614,100 alleles (0.00043%); highest among the groups gnomAD compares: African/African-American, 0.0013%; no homozygotes.

Submissions (4):

Labcorp Genetics (formerly Invitae), Labcorp
Classification: Likely benign for Oligodontia-cancer predisposition syndrome. Last evaluated: 2026-01-19. Review status: criteria provided, single submitter. Criteria: Invitae Variant Classification Sherloc (09022015). Collection method: clinical testing. Allele origin: germline.

Myriad Genetics, Inc.
Classification: Benign for Oligodontia-cancer predisposition syndrome. Last evaluated: 2024-06-26. Review status: criteria provided, single submitter. Criteria: Myriad Autosomal Dominant, Autosomal Recessive and X-Linked Classification Criteria (2023). Collection method: clinical testing. Allele origin: unknown.
Comment: This variant is considered benign. This variant is a silent/synonymous amino acid change and it is not expected to impact splicing.

Ambry Genetics
Classification: Likely benign for Hereditary cancer-predisposing syndrome. Last evaluated: 2020-10-25. Review status: criteria provided, single submitter. Criteria: Ambry Variant Classification Scheme 2023. Collection method: clinical testing. Allele origin: germline.

GeneDx
Classification: Likely benign. Last evaluated: 2018-05-07. Review status: criteria provided, single submitter. Criteria: GeneDx Variant Classification (06012015). Collection method: clinical testing. Allele origin: germline. Affected: yes.
Comment: This variant is considered likely benign or benign based on one or more of the following criteria: it is a conservative change, it occurs at a poorly conserved position in the protein, it is predicted to be benign by multiple in silico algorithms, and/or has population frequency not consistent with disease.